The following is an entry in ClinVar:

NM_022041.4(GAN):c.1459A>G (p.Met487Val)

Gene: GAN (gigaxonin; plus strand). Cytogenetic location: 16q23.2.
Variant type: single nucleotide variant.
Coding change: c.1459A>G on transcript NM_022041.4 (MANE Select); coding-DNA position 1459, A replaced by G.
Protein change: p.Met487Val; replaces methionine 487 with valine.
Molecular consequence: missense variant.
Genome position (GRCh38, 1-based): chr16:81,365,435, A>G. VCF-style: chr16-81365435-A-G. GRCh37 (hg19) VCF-style: chr16-81399040-A-G.
Other names: c.820A>G, p.Met274Val (NM_001377486.1); short protein forms M274V, M487V.
Identifiers: ClinVar variation 3768445 (VCV003768445.1).

ClinVar aggregate classification (germline): Uncertain significance (1 of 4 stars; one submission).

Submission:

Women's Health and Genetics/Laboratory Corporation of America, LabCorp
Classification: Uncertain significance. Last evaluated: 2024-12-24. Review status: criteria provided, single submitter. Criteria: LabCorp Variant Classification Summary - May 2015. Collection method: clinical testing. Allele origin: germline.
Comment: Variant summary: GAN c.1459A>G (p.Met487Val) results in a conservative amino acid change in the encoded protein sequence. Two of four in-silico tools predict a benign effect of the variant on protein function. The variant allele was found at a frequency of 8e-06 in 251492 control chromosomes. The available data on variant occurrences in the general population are insufficient to allow any conclusion about variant significance. To our knowledge, no occurrence of c.1459A>G in individuals affected with Giant axonal neuropathy 1 and no experimental evidence demonstrating its impact on protein function have been reported. No submitters have cited clinical-significance assessments for this variant to ClinVar. Based on the evidence outlined above, the variant was classified as uncertain significance.